The following is an entry in ClinVar:

ClinVar aggregate classification (germline): Uncertain significance (1 of 4 stars; one submission).

Conditions:
Megacystis-microcolon-intestinal hypoperistalsis syndrome 5. Identifiers: MedGen C5543636, MONDO:0030329, OMIM 619431.
Visceral myopathy 1 (VSCM1). Also called: ACTG2 Visceral Myopathy; Visceral myopathy; Infantile visceral myopathy. Identifiers: Orphanet 2604, MedGen C5542197, MONDO:0020754, OMIM 155310.

Submission:

Juno Genomics, Hangzhou Juno Genomics, Inc
Classification: Uncertain significance for Visceral myopathy 1; Megacystis-microcolon-intestinal hypoperistalsis syndrome 5. Review status: criteria provided, single submitter. Criteria: ACMG Guidelines, 2015. Collection method: clinical testing. Allele origin: germline.
Comment: Absent from controls (or at extremely low frequency if recessive) in Genome Aggregation Database.;Missense variant in a gene that has a low rate of benign missense variation.;Multiple lines of computational evidence support a deleterious effect on the gene or gene product.

NM_001615.4(ACTG2):c.34G>A (p.Asp12Asn)

Gene: ACTG2 (actin gamma 2, smooth muscle; plus strand). Cytogenetic location: 2p13.1.
Variant type: single nucleotide variant.
Coding change: c.34G>A on transcript NM_001615.4 (MANE Select); coding-DNA position 34, G replaced by A.
Protein change: p.Asp12Asn; replaces aspartic acid 12 with asparagine.
Molecular consequence: missense variant.
Genome position (GRCh38, 1-based): chr2:73,901,345, G>A. VCF-style: chr2-73901345-G-A. GRCh37 (hg19) VCF-style: chr2-74128472-G-A.
Other names: c.34G>A, p.Asp12Asn (NM_001199893.2); short protein forms D12N.
Identifiers: ClinVar variation 5006335 (VCV005006335.2).